The following is an entry in ClinVar:

ClinVar aggregate classification (germline): Benign (0 of 4 stars; one submission).

Conditions:
ATAD5-related disorder. Also called: ATAD5-related condition.

Allele frequency attached by ClinVar (database versions not stated): ESP Exome Variant Server 0.12550; 1000 Genomes Project 0.17252; 1000 Genomes Project 30x 0.17489.
gnomAD v4.1: 191,905 of 1,598,524 alleles (12%); highest among the groups gnomAD compares: South Asian, 24%; 13,045 homozygotes.

Submission:

PreventionGenetics, part of Exact Sciences
Classification: Benign for ATAD5-related condition. Last evaluated: 2019-10-18. Review status: no assertion criteria provided. Collection method: clinical testing. Allele origin: germline.
Comment: This variant is classified as benign based on ACMG/AMP sequence variant interpretation guidelines (Richards et al. 2015 PMID: 25741868, with internal and published modifications).

NM_024857.5(ATAD5):c.3003A>G (p.Val1001=)

Gene: ATAD5 (ATPase family AAA domain containing 5; plus strand). Cytogenetic location: 17q11.2.
Variant type: single nucleotide variant.
Coding change: c.3003A>G on transcript NM_024857.5 (MANE Select); coding-DNA position 3003, A replaced by G.
Protein change: p.Val1001=; no amino-acid change (valine 1001 retained).
Molecular consequence: synonymous variant.
Genome position (GRCh38, 1-based): chr17:30,860,479, A>G. VCF-style: chr17-30860479-A-G. GRCh37 (hg19) VCF-style: chr17-29187497-A-G.
Identifiers: ClinVar variation 3060541 (VCV003060541.2), dbSNP rs9896095, ClinGen allele CA8483984.
Genomic context (GRCh38, chr17:30,860,479, plus strand): 5'-AATTCCCAAAGCAGAACTGGAGGCTGATGTCAGCCATAAAGAAACCAAAAGGAAACTCGT[A>G]GAAGCAGAAAATTCTAAGTCAAAAAGAAAGAAACCAAATGAGTATTCAAAAAATCTGGAG-3'
Protein context (NP_079133.3, residues 991-1011): VSHKETKRKL[Val1001=]EAENSKSKRK